The following is an entry in ClinVar:

ClinVar aggregate classification (germline): Pathogenic (1 of 4 stars; one submission).

Conditions:
Charcot-Marie-Tooth disease type 2. Also called: Charcot-Marie-Tooth type 2. Identifiers: Orphanet 64746, MedGen C0270914, MONDO:0018993.

Submission:

Labcorp Genetics (formerly Invitae), Labcorp
Classification: Pathogenic for Charcot-Marie-Tooth disease type 2. Last evaluated: 2014-12-24. Review status: criteria provided, single submitter. Criteria: Invitae Variant Classification Sherloc (09022015). Collection method: clinical testing. Allele origin: germline.
Comment: While this particular deletion has not been reported in the literature, truncating mutations in MFN2 are known to be pathogenic (PMID: 16714318). This deletion eliminates the last 6 amino acids and the donor splice site of exon 17, and is predicted to disrupt mRNA splicing and lead to an absent or truncated protein.

Literature cited by the submitters: PubMed 16714318.

NM_014874.4(MFN2):c.2054_2069+1171del

Gene: MFN2 (mitofusin 2; plus strand). Cytogenetic location: 1p36.22.
Variant type: Deletion.
Coding change: c.2054_2069+1171del on transcript NM_014874.4 (MANE Select); coding-DNA position 2054 through 1171 bases into the intron after coding-DNA position 2069, 1,187 bases deleted.
Molecular consequence: splice donor variant.
Genome position (GRCh38, 1-based): chr1:12,007,234-12,008,420, 1,187 bases deleted. GRCh37 (hg19): chr1:12,067,291-12,068,477.
Other names: c.2054_2069+1171del (NM_001127660.2).
Identifiers: ClinVar variation 1073982 (VCV001073982.6), ClinGen allele CA2499214152.